The following is an entry in ClinVar:

NM_001203.3(BMPR1B):c.769A>G (p.Asn257Asp)

Gene: BMPR1B (bone morphogenetic protein receptor type 1B; plus strand). Cytogenetic location: 4q22.3.
Variant type: single nucleotide variant.
Coding change: c.769A>G on transcript NM_001203.3 (MANE Select); coding-DNA position 769, A replaced by G.
Protein change: p.Asn257Asp; replaces asparagine 257 with aspartic acid.
Molecular consequence: missense variant.
Genome position (GRCh38, 1-based): chr4:95,130,045, A>G. VCF-style: chr4-95130045-A-G. GRCh37 (hg19) VCF-style: chr4-96051196-A-G.
Other names: c.769A>G, p.Asn257Asp (NM_001256792.2, NM_001256794.1); c.859A>G, p.Asn287Asp (NM_001256793.2); short protein forms N257D, N287D.
Identifiers: ClinVar variation 418063 (VCV000418063.10), dbSNP rs201034260, ClinGen allele CA3015086.

ClinVar aggregate classification (germline): Uncertain significance. Review status: criteria provided, multiple submitters, no conflicts (2 of 4 stars). 4 submissions from 4 submitters: Uncertain significance (4). Last evaluated 2026-01-17.

Conditions:
Type A2 brachydactyly (BDA2). Also called: Brachymesophalangy type 2; MOHR-WRIEDT TYPE BRACHYDACTYLY; BRACHYMESOPHALANGY II. Identifiers: Orphanet 93396, MedGen C1832702, MONDO:0007216, OMIM 112600, HP:0009372.
Acromesomelic dysplasia 3 (AMD3). Also called: CHONDRODYSPLASIA, ACROMESOMELIC, WITH OR WITHOUT GENITAL ANOMALIES; Acromesomelic dysplasia, Demirhan type. Identifiers: MedGen C4225404, MONDO:0012274, OMIM 609441.
Pulmonary arterial hypertension. Identifiers: Orphanet 182090, MedGen C2973725, MeSH D000081029, MONDO:0015924, HP:0002092.
Inborn genetic diseases. Identifiers: MedGen C0950123, MeSH D030342.

Allele frequency attached by ClinVar (database versions not stated): gnomAD exomes 0.00011 and 0.00009; gnomAD 0.00013 and 0.00014; TOPMed 0.00009; ExAC 0.00010.

Submissions (4):

Labcorp Genetics (formerly Invitae), Labcorp
Classification: Uncertain significance for Type A2 brachydactyly; Acromesomelic dysplasia 3. Last evaluated: 2026-01-17. Review status: criteria provided, single submitter. Criteria: Invitae Variant Classification Sherloc (09022015). Collection method: clinical testing. Allele origin: germline.
Comment: This sequence change replaces asparagine, which is neutral and polar, with aspartic acid, which is acidic and polar, at codon 257 of the BMPR1B protein (p.Asn257Asp). This variant is present in population databases (rs201034260, gnomAD 0.02%). This variant has not been reported in the literature in individuals affected with BMPR1B-related conditions. ClinVar contains an entry for this variant (Variation ID: 418063). Invitae Evidence Modeling of protein sequence and biophysical properties (such as structural, functional, and spatial information, amino acid conservation, physicochemical variation, residue mobility, and thermodynamic stability) indicates that this missense variant is expected to disrupt BMPR1B protein function with a positive predictive value of 80%. In summary, the available evidence is currently insufficient to determine the role of this variant in disease. Therefore, it has been classified as a Variant of Uncertain Significance.

Department of Pathology and Laboratory Medicine, Sinai Health System
Classification: Uncertain significance for pulmonary arterial hypertension. Last evaluated: 2021-07-30. Review status: criteria provided, single submitter. Criteria: ACMG Guidelines, 2015. Collection method: research. Allele origin: germline.

Ambry Genetics
Classification: Uncertain significance for Inborn genetic diseases. Last evaluated: 2021-06-21. Review status: criteria provided, single submitter. Criteria: Ambry Variant Classification Scheme 2023. Collection method: clinical testing. Allele origin: germline.

GeneDx
Classification: Uncertain significance. Last evaluated: 2017-03-09. Review status: criteria provided, single submitter. Criteria: GeneDx Variant Classification (06012015). Collection method: clinical testing. Allele origin: germline. Affected: yes.
Comment: The N257D variant in the BMPR1B gene has not been reported previously as a pathogenic variant, nor as a benign variant, to our knowledge. The N257D variant is observed in 2/6602 (0.03%) alleles from individuals of Finnish background in the ExAC dataset (Lek et al., 2016). The N257D variant is a semi-conservative amino acid substitution, which may impact secondary protein structure as these residues differ in some properties. This substitution occurs at a position that is conserved across species, and in silico analysis predicts this variant is probably damaging to the protein structure/function. We interpret N257D as a variant of uncertain significance, which may be related to the reported brachydactyly in this individual.